The following is an entry in ClinVar:

ClinVar aggregate classification (germline): Uncertain significance (1 of 4 stars; one submission).

Submission:

GeneDx
Classification: Uncertain significance. Last evaluated: 2025-07-15. Review status: criteria provided, single submitter. Criteria: GeneDx Variant Classification Process June 2021. Collection method: clinical testing. Allele origin: germline. Affected: yes.
Comment: Not observed at significant frequency in large population cohorts (gnomAD); In silico analysis supports that this missense variant has a deleterious effect on protein structure/function; Has not been previously published as pathogenic or benign to our knowledge

NM_001395159.1(UNC79):c.1979C>A (p.Pro660His)

Gene: UNC79 (unc-79 subunit of NALCN channel complex; plus strand). Cytogenetic location: 14q32.12.
Variant type: single nucleotide variant.
Coding change: c.1979C>A on transcript NM_001395159.1 (MANE Select); coding-DNA position 1979, C replaced by A.
Protein change: p.Pro660His; replaces proline 660 with histidine.
Molecular consequence: missense variant.
Genome position (GRCh38, 1-based): chr14:93,572,725, C>A. VCF-style: chr14-93572725-C-A. GRCh37 (hg19) VCF-style: chr14-94039071-C-A.
Other names: c.1979C>A, p.Pro660His (NM_001346218.2); c.1448C>A, p.Pro483His (NM_020818.5); short protein forms P483H, P660H.
Identifiers: ClinVar variation 4686850 (VCV004686850.1).